The following is an entry in ClinVar:

NM_001291303.3(FAT4):c.2989G>C (p.Asp997His)

Gene: FAT4 (FAT atypical cadherin 4; plus strand). Cytogenetic location: 4q28.1.
Variant type: single nucleotide variant.
Coding change: c.2989G>C on transcript NM_001291303.3 (MANE Select); coding-DNA position 2989, G replaced by C.
Protein change: p.Asp997His; replaces aspartic acid 997 with histidine.
Molecular consequence: missense variant.
Genome position (GRCh38, 1-based): chr4:125,319,400, G>C. VCF-style: chr4-125319400-G-C. GRCh37 (hg19) VCF-style: chr4-126240555-G-C.
Other names: c.2989G>C, p.Asp997His (NM_001291285.3, NM_024582.6); short protein forms D997H.
Identifiers: ClinVar variation 2502087 (VCV002502087.1), dbSNP rs1730821808, ClinGen allele CA358121533.
Genomic context (GRCh38, chr4:125,319,400, plus strand): 5'-TCCTCTAGTGTCATCTTAACAGTTTATGTCCATGATGTAAATGACAATTCACCAGTGTTT[G>C]ACCAACTCTCTTATGAAGTCACCCTTTCTGAGTCAGAACCTGTGAATTCTCGATTCTTTA-3'
Protein context (NP_001278232.1, residues 987-1007): HDVNDNSPVF[Asp997His]QLSYEVTLSE

ClinVar aggregate classification (germline): Uncertain significance (1 of 4 stars; one submission).

gnomAD v4.1: 1 of 1,613,350 alleles (0.000062%); no homozygotes.

Submission:

GeneDx
Classification: Uncertain significance. Last evaluated: 2022-11-14. Review status: criteria provided, single submitter. Criteria: GeneDx Variant Classification Process June 2021. Collection method: clinical testing. Allele origin: germline. Affected: yes.
Comment: Not observed at significant frequency in large population cohorts (gnomAD); In silico analysis supports that this missense variant has a deleterious effect on protein structure/function; Has not been previously published as pathogenic or benign to our knowledge